The following is an entry in ClinVar:

NM_012210.4(TRIM32):c.512A>G (p.Glu171Gly)

Genes: ASTN2 (astrotactin 2; minus strand), TRIM32 (tripartite motif containing 32; plus strand). Cytogenetic location: 9q33.1.
Variant type: single nucleotide variant.
Coding change: c.512A>G on transcript NM_012210.4 (MANE Select); coding-DNA position 512, A replaced by G.
Protein change: p.Glu171Gly; replaces glutamic acid 171 with glycine.
Molecular consequence: missense variant. On other transcripts: intron variant (3).
Genome position (GRCh38, 1-based): chr9:116,698,254, A>G. VCF-style: chr9-116698254-A-G. GRCh37 (hg19) VCF-style: chr9-119460533-A-G.
Other names: c.512A>G, p.Glu171Gly (NM_001099679.2, NM_001379048.1, NM_001379049.1 and 1 more transcripts); c.2653+27517T>C (NM_014010.5); c.2794+27517T>C (NM_001365069.1); c.2806+27517T>C (NM_001365068.1); short protein forms E171G.
Identifiers: ClinVar variation 3345418 (VCV003345418.1).

ClinVar aggregate classification (germline): Uncertain significance (0 of 4 stars; one submission).

Conditions:
TRIM32-related disorder. Also called: TRIM32-related condition.

gnomAD v4.1: 1 of 1,614,000 alleles (0.000062%); highest among the groups gnomAD compares: Non-Finnish European, 0.000085%; no homozygotes.

Submission:

PreventionGenetics, part of Exact Sciences
Classification: Uncertain significance for TRIM32-related condition. Last evaluated: 2024-07-26. Review status: no assertion criteria provided. Collection method: clinical testing. Allele origin: germline.
Comment: The TRIM32 c.512A>G variant is predicted to result in the amino acid substitution p.Glu171Gly. To our knowledge, this variant has not been reported in the literature or in a large population database, indicating this variant is rare. At this time, the clinical significance of this variant is uncertain due to the absence of conclusive functional and genetic evidence.